The following is an entry in ClinVar:

ClinVar aggregate classification (germline): Conflicting classifications of pathogenicity. Review status: criteria provided, conflicting classifications (1 of 4 stars). 2 submissions from 2 submitters: Pathogenic (1); Uncertain significance (1). Last evaluated 2024-12-31.

Submissions (2):

Athena Diagnostics
Classification: Pathogenic. Last evaluated: 2024-12-31. Review status: criteria provided, single submitter. Criteria: Athena Diagnostics Criteria. Collection method: clinical testing. Allele origin: unknown.
Comment: This variant alters a critical location within the protein, and is expected to severely affect function and cause disease. The frequency of this variant in the general population is consistent with pathogenicity. This variant has been identified in at least one individual with clinical features associated with this gene. Greater than 90% of NOTCH3 pathogenic variants associated with CADASIL involve the gain or loss of a cysteine residue within the epidermal growth factor (EGF)-like repeat domain (PMID: 32457593, 20301673).

Labcorp Genetics (formerly Invitae), Labcorp
Classification: Uncertain significance. Last evaluated: 2022-05-28. Review status: criteria provided, single submitter. Criteria: Invitae Variant Classification Sherloc (09022015). Collection method: clinical testing. Allele origin: germline.
Comment: This sequence change replaces glycine, which is neutral and non-polar, with cysteine, which is neutral and slightly polar, at codon 667 of the NOTCH3 protein (p.Gly667Cys). This variant is present in population databases (no rsID available, gnomAD 0.0009%). This missense change has been observed in individual(s) with cerebral arteriopathy with subcortical infarcts and leukoencephalopathy 1 (CADASIL) (PMID: 22664156). ClinVar contains an entry for this variant (Variation ID: 447805). Algorithms developed to predict the effect of missense changes on protein structure and function are either unavailable or do not agree on the potential impact of this missense change (SIFT: "Tolerated"; PolyPhen-2: "Possibly Damaging"; Align-GVGD: "Class C15"). In summary, the available evidence is currently insufficient to determine the role of this variant in disease. Therefore, it has been classified as a Variant of Uncertain Significance.

Literature cited by the submitters: PubMed 38713890 (cited by Athena Diagnostics); PubMed 33161844 (cited by Athena Diagnostics); PubMed 22664156 (cited by Labcorp Genetics (formerly Invitae), Labcorp).

NM_000435.3(NOTCH3):c.1999G>T (p.Gly667Cys)

Gene: NOTCH3 (notch receptor 3; minus strand). Cytogenetic location: 19p13.12.
Variant type: single nucleotide variant.
Coding change: c.1999G>T on transcript NM_000435.3 (MANE Select); coding-DNA position 1999, G replaced by T.
Protein change: p.Gly667Cys; replaces glycine 667 with cysteine.
Molecular consequence: missense variant.
Genome position (GRCh38, 1-based): chr19:15,185,632, C>A on the plus strand (G>T on the coding strand, the complement: NOTCH3 is on the minus strand). VCF-style: chr19-15185632-C-A. GRCh37 (hg19) VCF-style: chr19-15296443-C-A.
Other names: short protein forms G667C.
Identifiers: ClinVar variation 447805 (VCV000447805.6), dbSNP rs376046941, ClinGen allele CA404523310.